The following is an entry in ClinVar:

NM_001114753.3(ENG):c.-59C>A

Gene: ENG (endoglin; minus strand). Cytogenetic location: 9q34.11.
Variant type: single nucleotide variant.
Coding change: c.-59C>A on transcript NM_001114753.3 (MANE Select); 59 bases upstream of the start codon, C replaced by A.
Molecular consequence: 5 prime UTR variant.
Genome position (GRCh38, 1-based): chr9:127,854,414, G>T on the plus strand (C>A on the coding strand, the complement: ENG is on the minus strand). VCF-style: chr9-127854414-G-T. GRCh37 (hg19) VCF-style: chr9-130616693-G-T.
Other names: c.-59C>A (NM_000118.4, NM_001406715.1).
Identifiers: ClinVar variation 2104341 (VCV002104341.4), dbSNP rs1003149967, ClinGen allele CA2580079589.

ClinVar aggregate classification (germline): Uncertain significance (1 of 4 stars; one submission).

Conditions:
Hereditary hemorrhagic telangiectasia (HHT). Also called: ORW DISEASE; Osler Weber Rendu syndrome; OSLER-RENDU-WEBER DISEASE; Osler hemorrhagic telangiectasia syndrome. Identifiers: Orphanet 774, MedGen C0039445, MONDO:0019180. Disease mechanism: loss of function.

Submission:

Labcorp Genetics (formerly Invitae), Labcorp
Classification: Uncertain significance for Hereditary hemorrhagic telangiectasia. Last evaluated: 2022-02-28. Review status: criteria provided, single submitter. Criteria: Invitae Variant Classification Sherloc (09022015). Collection method: clinical testing. Allele origin: germline.
Comment: This variant occurs in a non-coding region of the ENG gene. It does not change the encoded amino acid sequence of the ENG protein. In summary, the available evidence is currently insufficient to determine the role of this variant in disease. Therefore, it has been classified as a Variant of Uncertain Significance. Experimental studies and prediction algorithms are not available or were not evaluated, and the functional significance of this variant is currently unknown. This variant has been observed in individual(s) with chronic thromboembolic pulmonary hypertension (PMID: 26820968). This variant is not present in population databases (gnomAD no frequency).

Literature cited by the submitters: PubMed 26820968.